The following is an entry in ClinVar:

ClinVar aggregate classification (germline): Benign/Likely benign. Review status: criteria provided, multiple submitters, no conflicts (2 of 4 stars). 12 submissions from 12 submitters: Benign (1); Likely benign (10). 1 of the submissions does not count toward it. Last evaluated 2025-09-15.

Conditions:
Classic or attenuated familial adenomatous polyposis. Identifiers: MedGen CN372698, MONDO:0021057.
APC-related disorder. Also called: APC-related condition.
Hereditary cancer-predisposing syndrome. Also called: Tumor predisposition; Neoplastic Syndromes, Hereditary; Hereditary Cancer Syndrome; Hereditary neoplastic syndrome. Identifiers: Orphanet 140162, MedGen C0027672, MeSH D009386, MONDO:0015356.
Familial adenomatous polyposis 1 (FAP1). Also called: POLYPOSIS, ADENOMATOUS INTESTINAL; FAMILIAL ADENOMATOUS POLYPOSIS 1, ATTENUATED. Identifiers: MedGen C2713442, MONDO:0021056, OMIM 175100. Disease mechanism: loss of function.

Allele frequency attached by ClinVar (database versions not stated): gnomAD 0.00001; TOPMed 0.00001; gnomAD exomes below 0.00001; ExAC 0.00001.
gnomAD v4.1: 25 of 1,613,900 alleles (0.0015%); highest among the groups gnomAD compares: Non-Finnish European, 0.0019%; no homozygotes.

Submissions (12):

PreventionGenetics, part of Exact Sciences
Classification: Likely benign for APC-related condition. Last evaluated: 2025-09-15. Review status: criteria provided, single submitter. Criteria: ACMG Guidelines, 2015. Collection method: clinical testing. Allele origin: germline.
Comment: This variant is classified as likely benign based on ACMG/AMP sequence variant interpretation guidelines (Richards et al. 2015 PMID: 25741868, with internal and published modifications).

Labcorp Genetics (formerly Invitae), Labcorp
Classification: Likely benign for Familial adenomatous polyposis 1. Last evaluated: 2025-07-13. Review status: criteria provided, single submitter. Criteria: Invitae Variant Classification Sherloc (09022015). Collection method: clinical testing. Allele origin: germline.

CeGaT Center for Human Genetics Tuebingen
Classification: Likely benign. Last evaluated: 2025-03-01. Review status: criteria provided, single submitter. Criteria: CeGaT Center For Human Genetics Tuebingen Variant Classification Criteria Version 2. Collection method: clinical testing. Allele origin: germline. Affected: yes. Observed: 1 variant allele.
Comment: APC: BP4, BP7

Quest Diagnostics Nichols Institute San Juan Capistrano
Classification: Likely benign. Last evaluated: 2024-12-27. Review status: criteria provided, single submitter. Criteria: Quest Diagnostics criteria. Collection method: clinical testing. Allele origin: unknown.

All of Us Research Program, National Institutes of Health
Classification: Likely benign for Classic or attenuated familial adenomatous polyposis. Last evaluated: 2024-02-05. Review status: criteria provided, single submitter. Criteria: ACMG Guidelines, 2015. Collection method: clinical testing. Allele origin: germline. Inheritance: Autosomal dominant inheritance. Observed: 3 variant alleles, 3 heterozygotes.
Comment: This study involves interpretation of variants in research participants for the purpose of population health screening. Participant phenotype was not available at the time of variant classification. Additional details can be found in publication PMID: 35346344, PMCID: PMC8962531

Myriad Genetics, Inc.
Classification: Benign for Familial adenomatous polyposis 1. Last evaluated: 2023-02-17. Review status: criteria provided, single submitter. Criteria: Myriad Autosomal Dominant, Autosomal Recessive and X-Linked Classification Criteria (2023). Collection method: clinical testing. Allele origin: unknown.
Comment: This variant is considered benign. This variant is a silent/synonymous amino acid change and it is not expected to impact splicing.

Sema4
Classification: Likely benign for Hereditary cancer-predisposing syndrome. Last evaluated: 2021-08-10. Review status: criteria provided, single submitter. Criteria: Sema4 Curation Guidelines. Collection method: curation. Allele origin: germline.

Women's Health and Genetics/Laboratory Corporation of America, LabCorp
Classification: Likely benign. Last evaluated: 2019-02-14. Review status: criteria provided, single submitter. Criteria: LabCorp Variant Classification Summary - May 2015. Collection method: clinical testing. Allele origin: germline.
Comment: Variant summary: The variant, APC c.8100T>C results in a synonymous change. 5/5 computational tools predict no significant impact on normal splicing. However, these predictions have yet to be confirmed by functional studies. The variant allele was found at a frequency of 1.1e-05 in 277052 control chromosomes (gnomAD). The available data on variant occurrences in the general population are insufficient to allow any conclusion about variant significance. To our knowledge, no occurrence of c.8100T>C in individuals affected with Familial Adenomatous Polyposis and no experimental evidence demonstrating its impact on protein function have been reported. Six clinical diagnostic laboratories have submitted clinical-significance assessments for this variant to ClinVar after 2014 without evidence for independent evaluation and classified the variant as likely benign (X5) or uncertain significance (X1). Based on the evidence outlined above, the variant was classified as likely benign.

GeneDx
Classification: Likely benign. Last evaluated: 2017-08-15. Review status: criteria provided, single submitter. Criteria: GeneDx Variant Classification (06012015). Collection method: clinical testing. Allele origin: germline. Affected: yes.
Comment: This variant is considered likely benign or benign based on one or more of the following criteria: it is a conservative change, it occurs at a poorly conserved position in the protein, it is predicted to be benign by multiple in silico algorithms, and/or has population frequency not consistent with disease.

Ambry Genetics
Classification: Likely benign for Hereditary cancer-predisposing syndrome. Last evaluated: 2016-11-23. Review status: criteria provided, single submitter. Criteria: Ambry Variant Classification Scheme 2023. Collection method: clinical testing. Allele origin: germline.

Color Diagnostics, LLC DBA Color Health
Classification: Likely benign for Hereditary cancer-predisposing syndrome. Last evaluated: 2016-10-31. Review status: criteria provided, single submitter. Criteria: ACMG Guidelines, 2015. Collection method: clinical testing. Allele origin: germline.

Counsyl
Classification: Likely benign for Familial adenomatous polyposis 1. Last evaluated: 2015-11-20. Review status: no assertion criteria provided. Collection method: clinical testing. Allele origin: unknown. Not counted in ClinVar's aggregate classification.

NM_000038.6(APC):c.8100T>C (p.Asn2700=)

Gene: APC (APC regulator of Wnt signaling pathway; plus strand). Cytogenetic location: 5q22.2.
Variant type: single nucleotide variant.
Coding change: c.8100T>C on transcript NM_000038.6 (MANE Select); coding-DNA position 8100, T replaced by C.
Protein change: p.Asn2700=; no amino-acid change (asparagine 2700 retained).
Molecular consequence: synonymous variant.
Genome position (GRCh38, 1-based): chr5:112,843,694, T>C. VCF-style: chr5-112843694-T-C. GRCh37 (hg19) VCF-style: chr5-112179391-T-C.
Other names: c.8100T>C, p.Asn2700= (NM_001127510.3, NM_001354895.2); c.8046T>C, p.Asn2682= (NM_001127511.3); c.8154T>C, p.Asn2718= (NM_001354896.2); c.8130T>C, p.Asn2710= (NM_001354897.2); c.8025T>C, p.Asn2675= (NM_001354898.2); c.8016T>C, p.Asn2672= (NM_001354899.2); c.7977T>C, p.Asn2659= (NM_001354900.2); c.7923T>C, p.Asn2641= (NM_001354901.2); and 5 more.
Identifiers: ClinVar variation 184147 (VCV000184147.37), dbSNP rs761326128, ClinGen allele CA014315.
Genomic context (GRCh38, chr5:112,843,694, plus strand): 5'-CCCGGTGATTGACAGTGTTTCAGAAAAGGCAAATCCAAACATTAAAGATTCAAAAGATAA[T>C]CAGGCAAAACAAAATGTGGGTAATGGCAGTGTTCCCATGCGTACCGTGGGTTTGGAAAAT-3'
Protein context (NP_000029.2, residues 2690-2710): ANPNIKDSKD[Asn2700=]QAKQNVGNGS